The following is an entry in ClinVar:

ClinVar aggregate classification (germline): Conflicting classifications of pathogenicity. Review status: criteria provided, conflicting classifications (1 of 4 stars). 3 submissions from 3 submitters: Uncertain significance (2); Likely benign (1). Last evaluated 2023-03-23.

Conditions:
Hereditary cancer-predisposing syndrome. Also called: Hereditary neoplastic syndrome; Tumor predisposition; Hereditary Cancer Syndrome; Neoplastic Syndromes, Hereditary. Identifiers: Orphanet 140162, MedGen C0027672, MeSH D009386, MONDO:0015356.

gnomAD v4.1: 2 of 1,585,318 alleles (0.00013%); highest among the groups gnomAD compares: East Asian, 0.0022%; no homozygotes.

Submissions (3):

University of Washington Department of Laboratory Medicine, University of Washington
Classification: Likely benign for Hereditary cancer-predisposing syndrome. Last evaluated: 2023-03-23. Review status: criteria provided, single submitter. Criteria: Dines et al. (Genet Med. 2020). Collection method: curation. Allele origin: germline.
Comment: Missense variant in a coldspot region where missense variants are very unlikely to be pathogenic (PMID:31911673).

BRCA2 exon 11 coldspot. Reclassification based on statistical prior probability.

Ambry Genetics
Classification: Uncertain significance for Hereditary cancer-predisposing syndrome. Last evaluated: 2020-01-29. Review status: criteria provided, single submitter. Criteria: Ambry Variant Classification Scheme 2023. Collection method: clinical testing. Allele origin: germline.
Comment: The p.N1322S variant (also known as c.3965A>G), located in coding exon 10 of the BRCA2 gene, results from an A to G substitution at nucleotide position 3965. The asparagine at codon 1322 is replaced by serine, an amino acid with highly similar properties. This amino acid position is not well conserved in available vertebrate species. In addition, this alteration is predicted to be tolerated by in silico analysis. Since supporting evidence is limited at this time, the clinical significance of this alteration remains unclear.

Color Diagnostics, LLC DBA Color Health
Classification: Uncertain significance for Hereditary cancer-predisposing syndrome. Last evaluated: 2019-05-08. Review status: criteria provided, single submitter. Criteria: ACMG Guidelines, 2015. Collection method: clinical testing. Allele origin: germline.

NM_000059.4(BRCA2):c.3965A>G (p.Asn1322Ser)

Gene: BRCA2 (BRCA2 DNA repair associated; plus strand). Cytogenetic location: 13q13.1.
Variant type: single nucleotide variant.
Coding change: c.3965A>G on transcript NM_000059.4 (MANE Select); coding-DNA position 3965, A replaced by G.
Protein change: p.Asn1322Ser; replaces asparagine 1322 with serine.
Molecular consequence: missense variant.
Genome position (GRCh38, 1-based): chr13:32,338,320, A>G. VCF-style: chr13-32338320-A-G. GRCh37 (hg19) VCF-style: chr13-32912457-A-G.
Other names: short protein forms N1322S.
Identifiers: ClinVar variation 491265 (VCV000491265.8), dbSNP rs80358646, ClinGen allele CA387778921.
Genomic context (GRCh38, chr13:32,338,320, plus strand): 5'-CTGGCACTTTTGTTGAAGAAATTACTGAAAATTACAAGAGAAATACTGAAAATGAAGATA[A>G]CAAATATACTGCTGCCAGTAGAAATTCTCATAACTTAGAATTTGATGGCAGTGATTCAAG-3'
Protein context (NP_000050.3, residues 1312-1332): NYKRNTENED[Asn1322Ser]KYTAASRNSH